The following is an entry in ClinVar:

NM_006842.3(SF3B2):c.554C>G (p.Ala185Gly)

Gene: SF3B2 (splicing factor 3b subunit 2; plus strand). Cytogenetic location: 11q13.1.
Variant type: single nucleotide variant.
Coding change: c.554C>G on transcript NM_006842.3 (MANE Select); coding-DNA position 554, C replaced by G.
Protein change: p.Ala185Gly; replaces alanine 185 with glycine.
Molecular consequence: missense variant.
Genome position (GRCh38, 1-based): chr11:66,056,842, C>G. VCF-style: chr11-66056842-C-G. GRCh37 (hg19) VCF-style: chr11-65824313-C-G.
Other names: short protein forms A185G.
Identifiers: ClinVar variation 4686234 (VCV004686234.1).

ClinVar aggregate classification (germline): Uncertain significance (1 of 4 stars; one submission).

gnomAD v4.1: 8 of 1,613,126 alleles (0.0005%); highest among the groups gnomAD compares: Admixed American, 0.013%; no homozygotes.

Submission:

GeneDx
Classification: Uncertain significance. Last evaluated: 2025-07-13. Review status: criteria provided, single submitter. Criteria: GeneDx Variant Classification Process June 2021. Collection method: clinical testing. Allele origin: germline. Affected: yes.
Comment: Not observed at significant frequency in large population cohorts (gnomAD); In silico analysis supports that this missense variant has a deleterious effect on protein structure/function; Has not been previously published as pathogenic or benign to our knowledge